The following is an entry in ClinVar:

ClinVar aggregate classification (germline): Uncertain significance (1 of 4 stars; one submission).

Submission:

Labcorp Genetics (formerly Invitae), Labcorp
Classification: Uncertain significance. Last evaluated: 2024-01-20. Review status: criteria provided, single submitter. Criteria: Invitae Variant Classification Sherloc (09022015). Collection method: clinical testing. Allele origin: germline.
Comment: This sequence change replaces threonine, which is neutral and polar, with alanine, which is neutral and non-polar, at codon 2781 of the USH2A protein (p.Thr2781Ala). This variant is not present in population databases (gnomAD no frequency). This variant has not been reported in the literature in individuals affected with USH2A-related conditions. Advanced modeling of protein sequence and biophysical properties (such as structural, functional, and spatial information, amino acid conservation, physicochemical variation, residue mobility, and thermodynamic stability) performed at Invitae indicates that this missense variant is not expected to disrupt USH2A protein function with a negative predictive value of 95%. In summary, the available evidence is currently insufficient to determine the role of this variant in disease. Therefore, it has been classified as a Variant of Uncertain Significance.

NM_206933.4(USH2A):c.8341A>G (p.Thr2781Ala)

Gene: USH2A (usherin; minus strand). Cytogenetic location: 1q41.
Variant type: single nucleotide variant.
Coding change: c.8341A>G on transcript NM_206933.4 (MANE Select); coding-DNA position 8341, A replaced by G.
Protein change: p.Thr2781Ala; replaces threonine 2781 with alanine.
Molecular consequence: missense variant.
Genome position (GRCh38, 1-based): chr1:215,878,981, T>C on the plus strand (A>G on the coding strand, the complement: USH2A is on the minus strand). VCF-style: chr1-215878981-T-C. GRCh37 (hg19) VCF-style: chr1-216052323-T-C.
Other names: short protein forms T2781A.
Identifiers: ClinVar variation 2710454 (VCV002710454.2), dbSNP rs2464717343, ClinGen allele CA344831942.